The following is an entry in ClinVar:

ClinVar aggregate classification (germline): Pathogenic (1 of 4 stars; one submission).

Conditions:
Neurofibromatosis, type 1 (NF1). Also called: Peripheral type neurofibromatosis; NEUROFIBROMATOSIS, TYPE I, SOMATIC; VON RECKLINGHAUSEN DISEASE; Neurofibromatosis, type I. Identifiers: Orphanet 636, MedGen C0027831, MONDO:0018975, OMIM 162200. Disease mechanism: loss of function.

Submission:

Labcorp Genetics (formerly Invitae), Labcorp
Classification: Pathogenic for Neurofibromatosis, type 1. Last evaluated: 2022-02-20. Review status: criteria provided, single submitter. Criteria: Invitae Variant Classification Sherloc (09022015). Collection method: clinical testing. Allele origin: germline.
Comment: This sequence change creates a premature translational stop signal (p.Leu2418Thrfs*2) in the NF1 gene. It is expected to result in an absent or disrupted protein product. Loss-of-function variants in NF1 are known to be pathogenic (PMID: 10712197, 23913538). This variant is not present in population databases (gnomAD no frequency). This variant has not been reported in the literature in individuals affected with NF1-related conditions. For these reasons, this variant has been classified as Pathogenic.

Literature cited by the submitters: PubMed 10712197; PubMed 23913538.

NM_001042492.3(NF1):c.7312_7313dup (p.Leu2439fs)

Gene: NF1 (neurofibromin 1; plus strand). Cytogenetic location: 17q11.2.
Variant type: Duplication.
Coding change: c.7312_7313dup on transcript NM_001042492.3 (MANE Select); coding-DNA positions 7312 to 7313, 2 bases duplicated (TA; older notation c.7312_7313dupTA).
Protein change: p.Leu2439fs; shifts the reading frame from leucine 2439.
Molecular consequence: frameshift variant.
Genome position (GRCh38, 1-based): chr17:31,349,242-31,349,243, TA duplicated. VCF-style (leftmost placement, unchanged base first): chr17-31349241-C-CTA. GRCh37 (hg19) VCF-style: chr17-29676259-C-CTA.
Other names: c.7249_7250dup, p.Leu2418Thrfs (NM_000267.4); short protein forms L2418fs, L2439fs.
Identifiers: ClinVar variation 2100662 (VCV002100662.4), dbSNP rs2508801763, ClinGen allele CA2580093348.